The following is an entry in ClinVar:

ClinVar aggregate classification (germline): Likely benign (1 of 4 stars; one submission).

Allele frequency attached by ClinVar (database versions not stated): gnomAD exomes below 0.00001; gnomAD 0.00001; TOPMed 0.00001.
gnomAD v4.1: 3 of 1,613,992 alleles (0.00019%); highest among the groups gnomAD compares: African/African-American, 0.0013%; no homozygotes.

Submission:

CeGaT Center for Human Genetics Tuebingen
Classification: Likely benign. Last evaluated: 2022-11-01. Review status: criteria provided, single submitter. Criteria: CeGaT Center For Human Genetics Tuebingen Variant Classification Criteria Version 2. Collection method: clinical testing. Allele origin: germline. Affected: yes. Observed: 1 variant allele.
Comment: TRAK1: BP4, BP7

NM_001042646.3(TRAK1):c.1257C>T (p.Thr419=)

Gene: TRAK1 (trafficking kinesin protein 1; plus strand). Cytogenetic location: 3p22.1.
Variant type: single nucleotide variant.
Coding change: c.1257C>T on transcript NM_001042646.3 (MANE Select); coding-DNA position 1257, C replaced by T.
Protein change: p.Thr419=; no amino-acid change (threonine 419 retained).
Molecular consequence: synonymous variant. On other transcripts: non-coding transcript variant (1).
Genome position (GRCh38, 1-based): chr3:42,200,884, C>T. VCF-style: chr3-42200884-C-T. GRCh37 (hg19) VCF-style: chr3-42242376-C-T.
Other names: c.1257C>T, p.Thr419= (NM_001265608.2, NM_001349246.2, NM_001349247.2); c.1035C>T, p.Thr345= (NM_001265609.2, NM_001265610.1, NM_001349248.1 and 1 more transcripts); c.945C>T, p.Thr315= (NM_001349245.1); c.1083C>T, p.Thr361= (NM_001410741.1, NM_014965.5).
Identifiers: ClinVar variation 2653704 (VCV002653704.24), dbSNP rs1250319162, ClinGen allele CA433195939.